The following is an entry in ClinVar:

ClinVar aggregate classification (germline): Uncertain significance (1 of 4 stars; one submission).

Submission:

Ambry Genetics
Classification: Uncertain significance. Last evaluated: 2024-12-08. Review status: criteria provided, single submitter. Criteria: Ambry Variant Classification Scheme 2023. Collection method: clinical testing. Allele origin: germline.
Comment: The p.R1161S variant (also known as c.3483G>C), located in coding exon 14 of the WNK2 gene, results from a G to C substitution at nucleotide position 3483. The arginine at codon 1161 is replaced by serine, an amino acid with dissimilar properties. This amino acid position is conserved. In addition, this alteration is predicted to be tolerated by in silico analysis. Based on the available evidence, the clinical significance of this variant remains unclear.

NM_006648.4(WNK2):c.3483G>C (p.Arg1161Ser)

Gene: WNK2 (WNK lysine deficient protein kinase 2; plus strand). Cytogenetic location: 9q22.31.
Variant type: single nucleotide variant.
Coding change: c.3483G>C on transcript NM_006648.4 (MANE Select); coding-DNA position 3483, G replaced by C.
Protein change: p.Arg1161Ser; replaces arginine 1161 with serine.
Molecular consequence: missense variant.
Genome position (GRCh38, 1-based): chr9:93,263,638, G>C. VCF-style: chr9-93263638-G-C. GRCh37 (hg19) VCF-style: chr9-96025920-G-C.
Other names: c.3483G>C, p.Arg1161Ser (NM_001282394.3); short protein forms R1161S.
Identifiers: ClinVar variation 3470675 (VCV003470675.1).